The following is an entry in ClinVar:

ClinVar aggregate classification (germline): Uncertain significance. Review status: criteria provided, multiple submitters, no conflicts (2 of 4 stars). 2 submissions from 2 submitters: Uncertain significance (2). Last evaluated 2026-03-31.

Conditions:
Hereditary cancer-predisposing syndrome. Also called: Tumor predisposition; Hereditary Cancer Syndrome; Neoplastic Syndromes, Hereditary; Hereditary neoplastic syndrome. Identifiers: Orphanet 140162, MedGen C0027672, MeSH D009386, MONDO:0015356.
Neuroblastoma, susceptibility to, 3. Also called: ALK-Related Neuroblastic Tumor Susceptibility. Identifiers: Orphanet 635, MedGen C2751681, MONDO:0013083, OMIM 613014.

gnomAD v4.1: 4 of 1,613,614 alleles (0.00025%); highest among the groups gnomAD compares: Non-Finnish European, 0.00034%; no homozygotes.

Submissions (2):

Ambry Genetics
Classification: Uncertain significance for Hereditary cancer-predisposing syndrome. Last evaluated: 2026-03-31. Review status: criteria provided, single submitter. Criteria: Ambry Variant Classification Scheme 2023. Collection method: clinical testing. Allele origin: germline.
Comment: The c.2204+4C>A intronic variant results from a C to A substitution 4 nucleotides after coding exon 12 in the ALK gene. This nucleotide position is not well conserved in available vertebrate species. In silico splice site analysis predicts that this alteration will not have any significant effect on splicing. Based on the available evidence, the clinical significance of this variant remains unclear.

Labcorp Genetics (formerly Invitae), Labcorp
Classification: Uncertain significance for Neuroblastoma, susceptibility to, 3. Last evaluated: 2025-12-03. Review status: criteria provided, single submitter. Criteria: Invitae Variant Classification Sherloc (09022015). Collection method: clinical testing. Allele origin: germline.
Comment: This sequence change falls in intron 12 of the ALK gene. It does not directly change the encoded amino acid sequence of the ALK protein. It affects a nucleotide within the consensus splice site. The frequency data for this variant in the population databases is considered unreliable, as metrics indicate poor data quality at this position in the gnomAD database. This variant has not been reported in the literature in individuals affected with ALK-related conditions. ClinVar contains an entry for this variant (Variation ID: 571298). Variants that disrupt the consensus splice site are a relatively common cause of aberrant splicing (PMID: 17576681, 9536098). Algorithms developed to predict the effect of sequence changes on RNA splicing suggest that this variant is not likely to affect RNA splicing. In summary, the available evidence is currently insufficient to determine the role of this variant in disease. Therefore, it has been classified as a Variant of Uncertain Significance.

Literature cited by the submitters: PubMed 17576681 (cited by Labcorp Genetics (formerly Invitae), Labcorp); PubMed 9536098 (cited by Labcorp Genetics (formerly Invitae), Labcorp).

NM_004304.5(ALK):c.2204+4C>A

Gene: ALK (ALK receptor tyrosine kinase; minus strand). Cytogenetic location: 2p23.2.
Variant type: single nucleotide variant.
Coding change: c.2204+4C>A on transcript NM_004304.5 (MANE Select); 4 bases into the intron after coding-DNA position 2204, C replaced by A.
Molecular consequence: intron variant.
Genome position (GRCh38, 1-based): chr2:29,251,101, G>T on the plus strand (C>A on the coding strand, the complement: ALK is on the minus strand). VCF-style: chr2-29251101-G-T. GRCh37 (hg19) VCF-style: chr2-29473967-G-T.
Identifiers: ClinVar variation 571298 (VCV000571298.7), dbSNP rs201806531, ClinGen allele CA531766979.